The following is an entry in ClinVar:

NM_001007527.2(LMBRD2):c.1366C>T (p.Arg456Cys)

Gene: LMBRD2 (LMBR1 domain containing 2; minus strand). Cytogenetic location: 5p13.2.
Variant type: single nucleotide variant.
Coding change: c.1366C>T on transcript NM_001007527.2 (MANE Select); coding-DNA position 1366, C replaced by T.
Protein change: p.Arg456Cys; replaces arginine 456 with cysteine.
Molecular consequence: missense variant.
Genome position (GRCh38, 1-based): chr5:36,116,530, G>A on the plus strand (C>T on the coding strand, the complement: LMBRD2 is on the minus strand). VCF-style: chr5-36116530-G-A. GRCh37 (hg19) VCF-style: chr5-36116632-G-A.
Other names: short protein forms R456C.
Identifiers: ClinVar variation 4886731 (VCV004886731.2).
Genomic context (GRCh38, chr5:36,116,530, plus strand): 5'-AAAGAAGGCTATAAGCATCAGTCTGGTGATGTGAGGCCAAATAATAATAGTTAAATACAC[G>A]AATCCTGAACACAGTAGAATAAACACAGATACTTAGGAAGAAGATGGAAAGGAAGCAGGC-3'
Protein context (NP_001007528.1, residues 446-466): ICVYSTVFRI[Arg456Cys]VFNYYYLASH

ClinVar aggregate classification (germline): Uncertain significance (1 of 4 stars; one submission).

gnomAD v4.1: 1 of 1,612,750 alleles (0.000062%); highest among the groups gnomAD compares: Non-Finnish European, 0.000085%; no homozygotes.

Submission:

Dasa
Classification: Uncertain significance. Last evaluated: 2026-02-21. Review status: criteria provided, single submitter. Criteria: DASA Assertion Criteria. Collection method: clinical testing. Allele origin: germline.
Comment: NM_001007527.2(LMBRD2):c.1366C>T (p.Arg456Cys) is a missense variant that results in the substitution of arginine with cysteine. The affected residue or protein region has prior evidence supporting clinical relevance. This variant is rare in population databases. Computational prediction algorithms are consistent with a deleterious effect. The currently available literature and clinical evidence are not sufficient to establish a definitive association between this variant and the reported condition. Therefore, this variant is classified as a variant of uncertain significance.